The following is an entry in ClinVar:

NM_001378609.3(OTOGL):c.6737A>G (p.Asn2246Ser)

Gene: OTOGL (otogelin like; plus strand). Cytogenetic location: 12q21.31.
Variant type: single nucleotide variant.
Coding change: c.6737A>G on transcript NM_001378609.3 (MANE Select); coding-DNA position 6737, A replaced by G.
Protein change: p.Asn2246Ser; replaces asparagine 2246 with serine.
Molecular consequence: missense variant.
Genome position (GRCh38, 1-based): chr12:80,372,020, A>G. VCF-style: chr12-80372020-A-G. GRCh37 (hg19) VCF-style: chr12-80765800-A-G.
Other names: c.6602A>G, p.Asn2201Ser (NM_001368062.3); c.6737A>G, p.Asn2246Ser (NM_001378610.3, NM_173591.7); short protein forms N2237S, N2201S, N2246S.
Identifiers: ClinVar variation 226972 (VCV000226972.20), dbSNP rs1551122, ClinGen allele CA6702137.
Genomic context (GRCh38, chr12:80,372,020, plus strand): 5'-ACAAGAGAACATGGAAGAACACCATATTCTTTGACTTTATTGCTTTTTTCTCTTTCTAGA[A>G]TGAAGGGATTGTGAAGCTTTATAATGAAGGCTGTTGCAAGATCTGTAAGTGAGAGCATAT-3'
Protein context (NP_001365538.2, residues 2236-2256): PPFNETECKM[Asn2246Ser]EGIVKLYNEG

ClinVar aggregate classification (germline): Benign. Review status: criteria provided, multiple submitters, no conflicts (2 of 4 stars). 7 submissions from 7 submitters: Benign (5). 2 of the submissions do not count toward it. Last evaluated 2026-02-04.

Allele frequency attached by ClinVar (database versions not stated): ESP Exome Variant Server 0.49654; 1000 Genomes Project 30x 0.47299; 1000 Genomes Project 0.48403; gnomAD 0.49218 and 0.50209; ExAC 0.58931; gnomAD exomes 0.62017 and 0.58076; TOPMed 0.46892.
gnomAD v4.1: 935,439 of 1,538,726 alleles (61%); highest among the groups gnomAD compares: East Asian, 73%; 294,099 homozygotes.

Submissions (7):

Labcorp Genetics (formerly Invitae), Labcorp
Classification: Benign. Last evaluated: 2026-02-04. Review status: criteria provided, single submitter. Criteria: Invitae Variant Classification Sherloc (09022015). Collection method: clinical testing. Allele origin: germline.

Mayo Clinic Laboratories, Mayo Clinic
Classification: Benign. Last evaluated: 2020-08-28. Review status: criteria provided, single submitter. Criteria: ACMG Guidelines, 2015. Collection method: clinical testing. Allele origin: germline. Observed: 128 variant alleles.

GeneDx
Classification: Benign. Last evaluated: 2017-05-09. Review status: criteria provided, single submitter. Criteria: GeneDx Variant Classification (06012015). Collection method: clinical testing. Allele origin: germline. Affected: yes.
Comment: This variant is considered likely benign or benign based on one or more of the following criteria: it is a conservative change, it occurs at a poorly conserved position in the protein, it is predicted to be benign by multiple in silico algorithms, and/or has population frequency not consistent with disease.

Laboratory for Molecular Medicine, Mass General Brigham Personalized Medicine
Classification: Benign. Last evaluated: 2014-11-24. Review status: criteria provided, single submitter. Criteria: LMM Criteria. Collection method: clinical testing. Allele origin: germline. Observed: 807 variant alleles.
Comment: Asn2237Ser in exon 56 of OTOGL: This variant is not expected to have clinical si gnificance because it has been identified in 35.9% (3089/8598) of European Ameri can chromosomes from a broad population by the NHLBI Exome Sequencing Project (dbSNP rs1551122).

Breakthrough Genomics
Classification: Benign. Review status: criteria provided, single submitter. Criteria: ACMG Guidelines, 2015. Collection method: not provided. Allele origin: germline. Inheritance: Autosomal recessive inheritance. Affected: yes.

Diagnostic Laboratory, Department of Genetics, University Medical Center Groningen
Classification: Benign. Review status: no assertion criteria provided. Collection method: clinical testing. Allele origin: germline. Affected: yes. Study: VKGL Data-share Consensus. Not counted in ClinVar's aggregate classification.

Joint Genome Diagnostic Labs from Nijmegen and Maastricht, Radboudumc and MUMC+
Classification: Benign. Review status: no assertion criteria provided. Collection method: clinical testing. Allele origin: germline. Affected: yes. Study: VKGL Data-share Consensus. Not counted in ClinVar's aggregate classification.